The following is an entry in ClinVar:

NM_001377142.1(PLCB4):c.462G>A (p.Leu154=)

Gene: PLCB4 (phospholipase C beta 4; plus strand). Cytogenetic location: 20p12.2.
Variant type: single nucleotide variant.
Coding change: c.462G>A on transcript NM_001377142.1 (MANE Select); coding-DNA position 462, G replaced by A.
Protein change: p.Leu154=; no amino-acid change (leucine 154 retained).
Molecular consequence: synonymous variant.
Genome position (GRCh38, 1-based): chr20:9,365,473, G>A. VCF-style: chr20-9365473-G-A. GRCh37 (hg19) VCF-style: chr20-9346120-G-A.
Other names: c.462G>A, p.Leu154= (NM_000933.4, NM_001172646.2, NM_001377134.2 and 4 more transcripts).
Identifiers: ClinVar variation 339554 (VCV000339554.13), dbSNP rs142392531, ClinGen allele CA9760824.

ClinVar aggregate classification (germline): Benign/Likely benign. Review status: criteria provided, multiple submitters, no conflicts (2 of 4 stars). 3 submissions from 3 submitters: Benign (1); Likely benign (2). Last evaluated 2024-10-31.

Conditions:
Auriculocondylar syndrome 2 (ARCND2A). Also called: AURICULOCONDYLAR SYNDROME 2A. Identifiers: Orphanet 137888, MedGen C3553404, MONDO:0013845, OMIM 614669.

Allele frequency attached by ClinVar (database versions not stated): gnomAD exomes 0.00024 and 0.00051; gnomAD 0.00031 and 0.00034; TOPMed 0.00036; ExAC 0.00046; ESP Exome Variant Server 0.00062.
gnomAD v4.1: 421 of 1,606,242 alleles (0.026%); highest among the groups gnomAD compares: Middle Eastern, 0.18%; no homozygotes.

Submissions (3):

Blueprint Genetics
Classification: Likely benign. Last evaluated: 2024-10-31. Review status: criteria provided, single submitter. Criteria: ACMG Guidelines, 2015. Collection method: clinical testing. Allele origin: germline.

Labcorp Genetics (formerly Invitae), Labcorp
Classification: Likely benign. Last evaluated: 2024-10-30. Review status: criteria provided, single submitter. Criteria: Invitae Variant Classification Sherloc (09022015). Collection method: clinical testing. Allele origin: germline.

Illumina Laboratory Services, Illumina
Classification: Benign for Auriculocondylar syndrome 2. Last evaluated: 2018-01-12. Review status: criteria provided, single submitter. Criteria: ICSL Variant Classification Criteria 13 December 2019. Collection method: clinical testing. Allele origin: germline.
Comment: This variant was observed in the ICSL laboratory as part of a predisposition screen in an ostensibly healthy population. It had not been previously curated by ICSL or reported in the Human Gene Mutation Database (HGMD: prior to June 1st, 2018), and was therefore a candidate for classification through an automated scoring system. Utilizing variant allele frequency, disease prevalence and penetrance estimates, and inheritance mode, an automated score was calculated to assess if this variant is too frequent to cause the disease. Based on the score and internal cut-off values, a variant classified as benign is not then subjected to further curation. The score for this variant resulted in a classification of benign for this disease.